The following is an entry in ClinVar:

ClinVar aggregate classification (germline): Uncertain significance (1 of 4 stars; one submission).

gnomAD v4.1: 1 of 1,611,450 alleles (0.000062%); highest among the groups gnomAD compares: Non-Finnish European, 0.000085%; no homozygotes.

Submission:

GeneDx
Classification: Uncertain significance. Last evaluated: 2026-02-17. Review status: criteria provided, single submitter. Criteria: GeneDx Variant Classification Process June 2021. Collection method: clinical testing. Allele origin: germline.
Comment: Not observed at significant frequency in large population cohorts (gnomAD); In silico analysis suggests that this missense variant does not alter protein structure/function; Has not been previously published as pathogenic or benign to our knowledge

NM_004700.4(KCNQ4):c.1378A>G (p.Thr460Ala)

Gene: KCNQ4 (potassium voltage-gated channel subfamily Q member 4; plus strand). Cytogenetic location: 1p34.2.
Variant type: single nucleotide variant.
Coding change: c.1378A>G on transcript NM_004700.4 (MANE Select); coding-DNA position 1378, A replaced by G.
Protein change: p.Thr460Ala; replaces threonine 460 with alanine.
Molecular consequence: missense variant.
Genome position (GRCh38, 1-based): chr1:40,831,169, A>G. VCF-style: chr1-40831169-A-G. GRCh37 (hg19) VCF-style: chr1-41296841-A-G.
Other names: c.1216A>G, p.Thr406Ala (NM_172163.3); short protein forms T406A, T460A.
Identifiers: ClinVar variation 4976501 (VCV004976501.1).
Genomic context (GRCh38, chr1:40,831,169, plus strand): 5'-ATCCGCATGGGCAGCTCCCAGCGGCGGACGGGTCCTTCCAAGCAGCATCTGGCACCTCCA[A>G]CAATGCCCACCTCCCCAAGCAGCGAGCAGGTGGGTGAGGCCACCAGCCCCACCAAGGTGC-3'
Protein context (NP_004691.2, residues 450-470): GPSKQHLAPP[Thr460Ala]MPTSPSSEQV